The following is an entry in ClinVar:

ClinVar aggregate classification (germline): Likely benign (0 of 4 stars; one submission).

Conditions:
TCF4-related disorder. Also called: TCF4-related condition.

Allele frequency attached by ClinVar (database versions not stated): gnomAD exomes below 0.00001; TOPMed below 0.00001; gnomAD 0.00001.
gnomAD v4.1: 3 of 1,613,586 alleles (0.00019%); highest among the groups gnomAD compares: Non-Finnish European, 0.00025%; no homozygotes.

Submission:

PreventionGenetics, part of Exact Sciences
Classification: Likely benign for TCF4-related condition. Last evaluated: 2021-04-13. Review status: no assertion criteria provided. Collection method: clinical testing. Allele origin: germline.
Comment: This variant is classified as likely benign based on ACMG/AMP sequence variant interpretation guidelines (Richards et al. 2015 PMID: 25741868, with internal and published modifications).

NM_001083962.2(TCF4):c.537T>A (p.Gly179=)

Gene: TCF4 (transcription factor 4; minus strand). Cytogenetic location: 18q21.2.
Variant type: single nucleotide variant.
Coding change: c.537T>A on transcript NM_001083962.2 (MANE Select); coding-DNA position 537, T replaced by A.
Protein change: p.Gly179=; no amino-acid change (glycine 179 retained).
Molecular consequence: synonymous variant.
Genome position (GRCh38, 1-based): chr18:55,350,371, A>T on the plus strand (T>A on the coding strand, the complement: TCF4 is on the minus strand). VCF-style: chr18-55350371-A-T. GRCh37 (hg19) VCF-style: chr18-53017602-A-T.
Other names: c.843T>A, p.Gly281= (NM_001243226.3); c.465T>A, p.Gly155= (NM_001243227.2, NM_001306207.1, NM_001348217.1 and 9 more transcripts); c.537T>A, p.Gly179= (NM_001243228.2, NM_001330604.3, NM_001369567.1 and 5 more transcripts); c.531T>A, p.Gly177= (NM_001243230.2); c.411T>A, p.Gly137= (NM_001243231.2, NM_001348211.2); c.324T>A, p.Gly108= (NM_001243232.1, NM_001306208.1); c.147T>A, p.Gly49= (NM_001243233.2, NM_001330605.3, NM_001348212.2 and 1 more transcripts); c.462T>A, p.Gly154= (NM_001348220.1, NM_001369576.1, NM_001369578.1 and 3 more transcripts); and 1 more.
Identifiers: ClinVar variation 3029980 (VCV003029980.2), dbSNP rs1406027676, ClinGen allele CA504109722.